The following is an entry in ClinVar:

ClinVar aggregate classification (germline): Likely pathogenic (1 of 4 stars; one submission).

Conditions:
Wilson disease (WND). Also called: Wilson's disease. Identifiers: Orphanet 905, MedGen C0019202, MONDO:0010200, OMIM 277900. Disease mechanism: loss of function.

Submission:

3billion
Classification: Likely pathogenic for Wilson disease. Last evaluated: 2025-08-07. Review status: criteria provided, single submitter. Criteria: ACMG Guidelines, 2015. Collection method: clinical testing. Allele origin: germline. Affected: yes.
Comment: The variant is not observed in the gnomAD v4.1.0 dataset. Predicted Consequence/Location: Frameshift: predicted to result in a loss or disruption of normal protein function through nonsense-mediated decay (NMD) or protein truncation. Multiple pathogenic variants are reported downstream of the variant. Therefore, this variant is classified as Likely pathogenic according to the recommendation of ACMG/AMP guideline.

NM_000053.4(ATP7B):c.826dup (p.Glu276fs)

Gene: ATP7B (ATPase copper transporting beta; minus strand). Cytogenetic location: 13q14.3.
Variant type: Duplication.
Coding change: c.826dup on transcript NM_000053.4 (MANE Select); coding-DNA position 826, one base duplicated (G; older notation c.826dupG).
Protein change: p.Glu276fs; shifts the reading frame from glutamic acid 276.
Molecular consequence: frameshift variant. On other transcripts: intron variant (2).
Genome position (GRCh38, 1-based): chr13:51,974,394, C duplicated on the plus strand (G on the coding strand, the reverse complement: ATP7B is on the minus strand). VCF-style (leftmost placement, unchanged base first): chr13-51974393-T-TC. GRCh37 (hg19) VCF-style: chr13-52548529-T-TC.
Other names: c.826dup, p.Glu276fs (NM_001005918.3, NM_001330578.2, NM_001330579.2 and 29 more transcripts); c.730dup, p.Glu244fs (NM_001406517.1, NM_001406518.1, NM_001406530.1 and 3 more transcripts); c.802+24dup (NM_001243182.2); c.706+24dup (NM_001406539.1); short protein forms E244fs, E276fs.
Identifiers: ClinVar variation 4856015 (VCV004856015.1).